The following is an entry in ClinVar:

NM_014141.6(CNTNAP2):c.940-3A>G

Gene: CNTNAP2 (contactin associated protein 2; plus strand). Cytogenetic location: 7q35.
Variant type: single nucleotide variant.
Coding change: c.940-3A>G on transcript NM_014141.6 (MANE Select); 3 bases into the intron before coding-DNA position 940, A replaced by G.
Molecular consequence: intron variant.
Genome position (GRCh38, 1-based): chr7:147,128,690, A>G. VCF-style: chr7-147128690-A-G. GRCh37 (hg19) VCF-style: chr7-146825782-A-G.
Identifiers: ClinVar variation 2190220 (VCV002190220.4), dbSNP rs1427235271, ClinGen allele CA645558552.

ClinVar aggregate classification (germline): Uncertain significance (1 of 4 stars; one submission).

Conditions:
Cortical dysplasia-focal epilepsy syndrome (PTHSL1). Also called: Pitt-Hopkins-like syndrome 1. Identifiers: Orphanet 163681, Orphanet 221150, MedGen C2750246, MONDO:0012400, OMIM 610042.

Allele frequency attached by ClinVar (database versions not stated): gnomAD exomes below 0.00001; gnomAD 0.00001; TOPMed 0.00001.
gnomAD v4.1: 3 of 1,613,764 alleles (0.00019%); highest among the groups gnomAD compares: Non-Finnish European, 0.00025%; no homozygotes.

Submission:

Labcorp Genetics (formerly Invitae), Labcorp
Classification: Uncertain significance for Cortical dysplasia-focal epilepsy syndrome. Last evaluated: 2022-03-14. Review status: criteria provided, single submitter. Criteria: Invitae Variant Classification Sherloc (09022015). Collection method: clinical testing. Allele origin: germline.
Comment: This sequence change falls in intron 6 of the CNTNAP2 gene. It does not directly change the encoded amino acid sequence of the CNTNAP2 protein. It affects a nucleotide within the consensus splice site. This variant is not present in population databases (gnomAD no frequency). This variant has not been reported in the literature in individuals affected with CNTNAP2-related conditions. Variants that disrupt the consensus splice site are a relatively common cause of aberrant splicing (PMID: 17576681, 9536098). Algorithms developed to predict the effect of sequence changes on RNA splicing suggest that this variant may disrupt the consensus splice site. In summary, the available evidence is currently insufficient to determine the role of this variant in disease. Therefore, it has been classified as a Variant of Uncertain Significance.

Literature cited by the submitters: PubMed 17576681; PubMed 9536098.